The following is an entry in ClinVar:

NM_004287.5(GOSR2):c.6T>A (p.Asp2Glu)

Genes: GOSR2 (golgi SNAP receptor complex member 2; plus strand), LRRC37A2 (leucine rich repeat containing 37 member A2). Cytogenetic location: 17q21.32.
Variant type: single nucleotide variant.
Coding change: c.6T>A on transcript NM_004287.5 (MANE Select); coding-DNA position 6, T replaced by A.
Protein change: p.Asp2Glu; replaces aspartic acid 2 with glutamic acid.
Molecular consequence: missense variant. On other transcripts: 5 prime UTR variant (2), non-coding transcript variant (3).
Genome position (GRCh38, 1-based): chr17:46,923,198, T>A. VCF-style: chr17-46923198-T-A. GRCh37 (hg19) VCF-style: chr17-45000564-T-A.
Other names: c.6T>A, p.Asp2Glu (NM_001012511.3, NM_001321133.2, NM_001330252.2 and 4 more transcripts); c.-97T>A (NM_001321134.2); c.-460T>A (NM_001363851.2); short protein forms D2E.
Identifiers: ClinVar variation 2127086 (VCV002127086.3), dbSNP rs757594881, ClinGen allele CA8621097.

ClinVar aggregate classification (germline): Uncertain significance (1 of 4 stars; one submission).

Conditions:
Progressive myoclonic epilepsy. Also called: Familial progressive myoclonic epilepsy; Myoclonus epilepsy; Myoclonic Epilepsies, Progressive; Progressive myoclonus epilepsy. Identifiers: Orphanet 308, Orphanet 98261, MedGen C0751778, MONDO:0020074.

gnomAD v4.1: 4 of 1,547,326 alleles (0.00026%); highest among the groups gnomAD compares: South Asian, 0.0012%; no homozygotes.

Submission:

Labcorp Genetics (formerly Invitae), Labcorp
Classification: Uncertain significance for Progressive myoclonic epilepsy. Last evaluated: 2022-06-15. Review status: criteria provided, single submitter. Criteria: Invitae Variant Classification Sherloc (09022015). Collection method: clinical testing. Allele origin: germline.
Comment: This variant has not been reported in the literature in individuals affected with GOSR2-related conditions. This sequence change replaces aspartic acid, which is acidic and polar, with glutamic acid, which is acidic and polar, at codon 2 of the GOSR2 protein (p.Asp2Glu). This variant is present in population databases (rs757594881, gnomAD 0.01%). Algorithms developed to predict the effect of missense changes on protein structure and function output the following: SIFT: "Tolerated"; PolyPhen-2: "Benign"; Align-GVGD: "Class C0". The glutamic acid amino acid residue is found in multiple mammalian species, which suggests that this missense change does not adversely affect protein function. In summary, the available evidence is currently insufficient to determine the role of this variant in disease. Therefore, it has been classified as a Variant of Uncertain Significance.